The following is an entry in ClinVar:

NM_000307.5(POU3F4):c.877C>G (p.Leu293Val)

Gene: POU3F4 (POU class 3 homeobox 4; plus strand). Cytogenetic location: Xq21.1.
Variant type: single nucleotide variant.
Coding change: c.877C>G on transcript NM_000307.5 (MANE Select); coding-DNA position 877, C replaced by G.
Protein change: p.Leu293Val; replaces leucine 293 with valine.
Molecular consequence: missense variant.
Genome position (GRCh38, 1-based): chrX:83,509,201, C>G. VCF-style: chrX-83509201-C-G. GRCh37 (hg19) VCF-style: chrX-82764209-C-G.
Other names: c.877C>G (NM_000307.3); short protein forms L293V.
Identifiers: ClinVar variation 417622 (VCV000417622.7), dbSNP rs780027419, ClinGen allele CA16616707.

ClinVar aggregate classification (germline): Likely pathogenic. Review status: criteria provided, multiple submitters, no conflicts (2 of 4 stars). 4 submissions from 4 submitters: Likely pathogenic (3). 1 of the submissions does not count toward it. Last evaluated 2026-07-24.

Conditions:
POU3F4-related disorder. Also called: POU3F4-related condition.
Inborn genetic diseases. Identifiers: MedGen C0950123, MeSH D030342.
X-linked mixed hearing loss with perilymphatic gusher. Also called: PERILYMPHATIC GUSHER-DEAFNESS SYNDROME; SENSORINEURAL DEAFNESS, PROFOUND, WITH OR WITHOUT A CONDUCTIVE COMPONENT, ASSOCIATED WITH A UNIQUE DEVELOPMENTAL ABNORMALITY OF THE EAR; Gusher syndrome; Deafness, X-linked 2; NANCE DEAFNESS. Identifiers: Orphanet 383, MedGen C1844678, MONDO:0010576, OMIM 304400.

Submissions (4):

GeneDx
Classification: Likely pathogenic. Last evaluated: 2026-07-24. Review status: criteria provided, single submitter. Criteria: GeneDx Variant Classification Process June 2021. Collection method: clinical testing. Allele origin: germline.
Comment: In silico analysis supports that this missense variant has a deleterious effect on protein structure/function; Not observed at significant frequency in large population cohorts (gnomAD); This variant is associated with the following publications: (PMID: 35982127)

PreventionGenetics, part of Exact Sciences
Classification: Likely pathogenic for POU3F4-related condition. Last evaluated: 2026-01-06. Review status: criteria provided, single submitter. Criteria: ACMG Guidelines, 2015. Collection method: clinical testing. Allele origin: germline.
Comment: The POU3F4 c.877C>G variant is predicted to result in the amino acid substitution p.Leu293Val. This variant has been reported in the hemizygous state in an individual with severe bilateral hearing loss (Wu et al. 2022. PubMed ID: 35982127; Bernardinelli et al. 2023. PubMed ID: 37371790). This variant is interpreted as likely pathogenic.

Ambry Genetics
Classification: Likely pathogenic for Inborn genetic diseases. Last evaluated: 2025-12-18. Review status: criteria provided, single submitter. Criteria: Ambry Variant Classification Scheme 2023. Collection method: clinical testing. Allele origin: germline.
Comment: The c.877C>G (p.L293V) alteration is located in exon 1 (coding exon 1) of the POU3F4 gene. This alteration results from a C to G substitution at nucleotide position 877, causing the leucine (L) at amino acid position 293 to be replaced by a valine (V). This variant was not reported in population-based cohorts in the Genome Aggregation Database (gnomAD). This variant was reported as hemizygous in individual(s) with features consistent with POU3F4-related deafness (Wu, 2022; NCBI ClinVar 2025). Reporter, add this reference manually: National Center for Biotechnology Information. ClinVar; [VCV000417622.4], (accessed Dec. 16, 2025). This amino acid position is highly conserved in available vertebrate species. This missense alteration is located in a region that has a low rate of benign missense variation (Lek, 2016; Firth, 2009). This alteration is predicted to be deleterious by in silico analysis. Based on the available evidence, this alteration is classified as likely pathogenic.

Hearing and Balance Clinic, First Affliiated Hospital of Kunming Medical University
Classification: Pathogenic for X-linked mixed hearing loss with perilymphatic gusher. Last evaluated: 2017-03-04. Review status: no assertion criteria provided. Collection method: clinical testing, research. Allele origin: unknown, not applicable. Inheritance: X-linked recessive inheritance. Affected: yes. Observed: 1 variant allele, 1 hemizygote. Not counted in ClinVar's aggregate classification.

Literature cited by the submitters: PubMed 35982127 (cited by Ambry Genetics).